The following is an entry in ClinVar:

ClinVar aggregate classification (germline): Likely benign. Review status: criteria provided, multiple submitters, no conflicts (2 of 4 stars). 3 submissions from 3 submitters: Likely benign (3). Last evaluated 2024-11-01.

Conditions:
Inborn genetic diseases. Identifiers: MedGen C0950123, MeSH D030342.

Allele frequency attached by ClinVar (database versions not stated): gnomAD 0.00007; ExAC 0.00018; 1000 Genomes Project 0.00040; 1000 Genomes Project 30x 0.00047.
gnomAD v4.1: 86 of 1,506,794 alleles (0.0057%); highest among the groups gnomAD compares: Admixed American, 0.018%; 1 homozygote.

Submissions (3):

CeGaT Center for Human Genetics Tuebingen
Classification: Likely benign. Last evaluated: 2024-11-01. Review status: criteria provided, single submitter. Criteria: CeGaT Center For Human Genetics Tuebingen Variant Classification Criteria Version 2. Collection method: clinical testing. Allele origin: germline. Affected: yes. Observed: 1 variant allele.
Comment: CUX2: BS2

Blueprint Genetics
Classification: Likely benign. Last evaluated: 2024-03-26. Review status: criteria provided, single submitter. Criteria: ACMG Guidelines, 2015. Collection method: clinical testing. Allele origin: germline.

Ambry Genetics
Classification: Likely benign for Inborn genetic diseases. Last evaluated: 2023-02-16. Review status: criteria provided, single submitter. Criteria: Ambry Variant Classification Scheme 2023. Collection method: clinical testing. Allele origin: germline.

NM_015267.4(CUX2):c.1477C>A (p.Pro493Thr)

Gene: CUX2 (cut like homeobox 2; plus strand). Cytogenetic location: 12q24.12.
Variant type: single nucleotide variant.
Coding change: c.1477C>A on transcript NM_015267.4 (MANE Select); coding-DNA position 1477, C replaced by A.
Protein change: p.Pro493Thr; replaces proline 493 with threonine.
Molecular consequence: missense variant.
Genome position (GRCh38, 1-based): chr12:111,310,259, C>A. VCF-style: chr12-111310259-C-A. GRCh37 (hg19) VCF-style: chr12-111748063-C-A.
Other names: c.1291C>A, p.Pro431Thr (NM_001370598.1); short protein forms P493T, P431T.
Identifiers: ClinVar variation 2454222 (VCV002454222.17), dbSNP rs202129111, ClinGen allele CA6788667.